The following is an entry in ClinVar:

NM_000548.5(TSC2):c.3158C>T (p.Ala1053Val)

Gene: TSC2 (TSC complex subunit 2; plus strand). Cytogenetic location: 16p13.3.
Variant type: single nucleotide variant.
Coding change: c.3158C>T on transcript NM_000548.5 (MANE Select); coding-DNA position 3158, C replaced by T.
Protein change: p.Ala1053Val; replaces alanine 1053 with valine.
Molecular consequence: missense variant.
Genome position (GRCh38, 1-based): chr16:2,079,302, C>T. VCF-style: chr16-2079302-C-T. GRCh37 (hg19) VCF-style: chr16-2129303-C-T.
Other names: c.3026C>T, p.Ala1009Val (NM_001077183.3, NM_001370404.1); c.3158C>T, p.Ala1053Val (NM_001114382.3); c.2918C>T, p.Ala973Val (NM_001318827.2); c.2882C>T, p.Ala961Val (NM_001318829.2); c.2426C>T, p.Ala809Val (NM_001318831.2); c.3059C>T, p.Ala1020Val (NM_001318832.2); c.3029C>T, p.Ala1010Val (NM_001363528.2, NM_001370405.1, NM_021055.3); short protein forms A1053V, A973V, A1009V, A1010V, A961V, A1020V, A809V.
Identifiers: ClinVar variation 406074 (VCV000406074.19), dbSNP rs760214724, ClinGen allele CA044608.

ClinVar aggregate classification (germline): Conflicting classifications of pathogenicity. Review status: criteria provided, conflicting classifications (1 of 4 stars). 6 submissions from 6 submitters: Uncertain significance (4); Likely benign (2). Last evaluated 2025-11-09.

Conditions:
Hereditary cancer-predisposing syndrome. Also called: Tumor predisposition; Neoplastic Syndromes, Hereditary; Hereditary Cancer Syndrome; Hereditary neoplastic syndrome. Identifiers: Orphanet 140162, MedGen C0027672, MeSH D009386, MONDO:0015356.
Tuberous sclerosis syndrome (TSC). Also called: Tuberous Sclerosis Complex; Tuberous sclerosis. Identifiers: Orphanet 805, MedGen C0041341, MONDO:0001734.
Tuberous sclerosis 2 (TSC2). Identifiers: Orphanet 805, MedGen C1860707, MONDO:0013199, OMIM 613254.

Allele frequency attached by ClinVar (database versions not stated): gnomAD exomes 0.00001 and 0.00003; TOPMed 0.00002; ExAC 0.00003.
gnomAD v4.1: 13 of 1,613,016 alleles (0.00081%); highest among the groups gnomAD compares: Non-Finnish European, 0.00085%; no homozygotes.

Submissions (6):

Labcorp Genetics (formerly Invitae), Labcorp
Classification: Likely benign for Tuberous sclerosis 2. Last evaluated: 2025-11-09. Review status: criteria provided, single submitter. Criteria: Invitae Variant Classification Sherloc (09022015). Collection method: clinical testing. Allele origin: germline.

Myriad Genetics, Inc.
Classification: Likely benign for Tuberous sclerosis 2. Last evaluated: 2025-05-28. Review status: criteria provided, single submitter. Criteria: Myriad Autosomal Dominant, Autosomal Recessive and X-Linked Classification Criteria (2023). Collection method: clinical testing. Allele origin: unknown.
Comment: This variant is considered likely benign. This variant has been observed at a population frequency that is significantly greater than expected given the associated disease prevalence and penetrance.

Quest Diagnostics Nichols Institute San Juan Capistrano
Classification: Uncertain significance. Last evaluated: 2025-02-12. Review status: criteria provided, single submitter. Criteria: Quest Diagnostics criteria. Collection method: clinical testing. Allele origin: unknown.

Ambry Genetics
Classification: Uncertain significance for Hereditary cancer-predisposing syndrome. Last evaluated: 2024-08-09. Review status: criteria provided, single submitter. Criteria: Ambry Variant Classification Scheme 2023. Collection method: clinical testing. Allele origin: germline.
Comment: The p.A1053V variant (also known as c.3158C>T), located in coding exon 27 of the TSC2 gene, results from a C to T substitution at nucleotide position 3158. The alanine at codon 1053 is replaced by valine, an amino acid with similar properties. This amino acid position is well conserved in available vertebrate species. In addition, this alteration is predicted to be deleterious by in silico analysis. Based on the available evidence, the clinical significance of this variant remains unclear.

All of Us Research Program, National Institutes of Health
Classification: Uncertain significance for Tuberous sclerosis syndrome. Last evaluated: 2024-06-11. Review status: criteria provided, single submitter. Criteria: ACMG Guidelines, 2015. Collection method: clinical testing. Allele origin: germline. Inheritance: Autosomal dominant inheritance. Observed: 4 variant alleles, 4 heterozygotes.
Comment: This missense variant replaces alanine with valine at codon 1053 of the TSC2 protein. Computational prediction suggests that this variant may have deleterious impact on protein structure and function (internally defined REVEL score threshold >= 0.7, PMID: 27666373). To our knowledge, functional studies have not been reported for this variant. This variant has not been reported in individuals affected with tuberous sclerosis complex in the literature. This variant has been identified in 7/250396 chromosomes in the general population by the Genome Aggregation Database (gnomAD). The available evidence is insufficient to determine the role of this variant in disease conclusively. Therefore, this variant is classified as a Variant of Uncertain Significance.

This study involves interpretation of variants in research participants for the purpose of population health screening. Participant phenotype was not available at the time of variant classification. Additional details can be found in publication PMID: 35346344, PMCID: PMC8962531

Color Diagnostics, LLC DBA Color Health
Classification: Uncertain significance for Tuberous sclerosis syndrome. Last evaluated: 2024-04-18. Review status: criteria provided, single submitter. Criteria: ACMG Guidelines, 2015. Collection method: clinical testing. Allele origin: germline.
Comment: This missense variant replaces alanine with valine at codon 1053 of the TSC2 protein. Computational prediction suggests that this variant may have deleterious impact on protein structure and function. To our knowledge, functional studies have not been reported for this variant. This variant has not been reported in individuals affected with TSC2-related disorders in the literature. This variant has been identified in 7/250396 chromosomes in the general population by the Genome Aggregation Database (gnomAD). The available evidence is insufficient to determine the role of this variant in disease conclusively. Therefore, this variant is classified as a Variant of Uncertain Significance.